The following is an entry in ClinVar:

NM_177438.3(DICER1):c.144+6A>G

Gene: DICER1 (dicer 1, ribonuclease III; minus strand). Cytogenetic location: 14q32.13.
Variant type: single nucleotide variant.
Coding change: c.144+6A>G on transcript NM_177438.3 (MANE Select); 6 bases into the intron after coding-DNA position 144, A replaced by G.
Molecular consequence: intron variant.
Genome position (GRCh38, 1-based): chr14:95,133,309, T>C on the plus strand (A>G on the coding strand, the complement: DICER1 is on the minus strand). VCF-style: chr14-95133309-T-C. GRCh37 (hg19) VCF-style: chr14-95599646-T-C.
Other names: c.144+6A>G (NM_001291628.2, NM_030621.4, NM_001395677.1 and 14 more transcripts); c.-131+6A>G (NM_001395690.1, NM_001395689.1, NM_001395686.1 and 3 more transcripts); c.-130-632A>G (NM_001395687.1); c.-315+6A>G (NM_001395691.1); c.-1425+6A>G (NM_001395697.1).
Identifiers: ClinVar variation 1944991 (VCV001944991.5), dbSNP rs2543387447, ClinGen allele CA2580089098.

ClinVar aggregate classification (germline): Uncertain significance (1 of 4 stars; one submission).

Conditions:
DICER1-related tumor predisposition. Also called: DICER1-related pleuropulmonary blastoma cancer predisposition syndrome; DICER1 syndrome. Identifiers: Orphanet 284343, MedGen C3839822, MONDO:0100216.

Allele frequency attached by ClinVar (database versions not stated): gnomAD exomes below 0.00001.
gnomAD v4.1: 3 of 1,613,980 alleles (0.00019%); highest among the groups gnomAD compares: South Asian, 0.0022%; no homozygotes.

Submission:

Labcorp Genetics (formerly Invitae), Labcorp
Classification: Uncertain significance for DICER1-related tumor predisposition. Last evaluated: 2021-12-29. Review status: criteria provided, single submitter. Criteria: Invitae Variant Classification Sherloc (09022015). Collection method: clinical testing. Allele origin: germline.
Comment: This sequence change falls in intron 2 of the DICER1 gene. It does not directly change the encoded amino acid sequence of the DICER1 protein. It affects a nucleotide within the consensus splice site. In summary, the available evidence is currently insufficient to determine the role of this variant in disease. Therefore, it has been classified as a Variant of Uncertain Significance. Variants that disrupt the consensus splice site are a relatively common cause of aberrant splicing (PMID: 17576681, 9536098). Algorithms developed to predict the effect of sequence changes on RNA splicing suggest that this variant is not likely to affect RNA splicing. This variant has not been reported in the literature in individuals affected with DICER1-related conditions. This variant is not present in population databases (gnomAD no frequency).

Literature cited by the submitters: PubMed 17576681; PubMed 9536098.